The following is an entry in ClinVar:

ClinVar aggregate classification (germline): Uncertain significance (1 of 4 stars; one submission).

Conditions:
Joubert syndrome 23 (JBTS23). Identifiers: Orphanet 475, MedGen C4084822, MONDO:0014664, OMIM 616490.
Short-rib thoracic dysplasia 14 with polydactyly (SRTD14). Identifiers: Orphanet 397715, MedGen C4225286, MONDO:0014688, OMIM 616546.

Allele frequency attached by ClinVar (database versions not stated): gnomAD exomes 0.00001 and 0.00002; ExAC 0.00002; gnomAD 0.00010 and 0.00012; TOPMed 0.00011; ESP Exome Variant Server 0.00017.
gnomAD v4.1: 29 of 1,610,946 alleles (0.0018%); highest among the groups gnomAD compares: African/African-American, 0.037%; no homozygotes.

Submission:

Labcorp Genetics (formerly Invitae), Labcorp
Classification: Uncertain significance for Joubert syndrome 23; Short-rib thoracic dysplasia 14 with polydactyly. Last evaluated: 2022-04-29. Review status: criteria provided, single submitter. Criteria: Invitae Variant Classification Sherloc (09022015). Collection method: clinical testing. Allele origin: germline.
Comment: In summary, the available evidence is currently insufficient to determine the role of this variant in disease. Therefore, it has been classified as a Variant of Uncertain Significance. This sequence change replaces proline, which is neutral and non-polar, with serine, which is neutral and polar, at codon 716 of the KIAA0586 protein (p.Pro716Ser). This variant is present in population databases (rs370560098, gnomAD 0.03%). This variant has not been reported in the literature in individuals affected with KIAA0586-related conditions. Algorithms developed to predict the effect of missense changes on protein structure and function are either unavailable or do not agree on the potential impact of this missense change (SIFT: "Deleterious"; PolyPhen-2: "Probably Damaging"; Align-GVGD: "Class C0").

NM_001329943.3(KIAA0586):c.1987C>T (p.Pro663Ser)

Gene: KIAA0586 (KIAA0586; plus strand). Cytogenetic location: 14q23.1.
Variant type: single nucleotide variant.
Coding change: c.1987C>T on transcript NM_001329943.3 (MANE Select); coding-DNA position 1987, C replaced by T.
Protein change: p.Pro663Ser; replaces proline 663 with serine.
Molecular consequence: missense variant.
Genome position (GRCh38, 1-based): chr14:58,461,088, C>T. VCF-style: chr14-58461088-C-T. GRCh37 (hg19) VCF-style: chr14-58927806-C-T.
Other names: c.2146C>T, p.Pro716Ser (NM_001244189.2); c.1942C>T, p.Pro648Ser (NM_001244190.2); c.1732C>T, p.Pro578Ser (NM_001244191.2, NM_001329945.2, NM_001364700.1 and 1 more transcripts); c.1855C>T, p.Pro619Ser (NM_001244192.2); c.1567C>T, p.Pro523Ser (NM_001244193.2); c.1987C>T, p.Pro663Ser (NM_001329944.2, NM_001329946.2, NM_001329947.2); c.1759C>T, p.Pro587Ser (NM_014749.5); short protein forms P523S, P648S, P578S, P587S, P619S, P663S, P716S.
Identifiers: ClinVar variation 1466359 (VCV001466359.4), dbSNP rs370560098, ClinGen allele CA7205743.